The following is an entry in ClinVar:

ClinVar aggregate classification (germline): Uncertain significance. Review status: criteria provided, multiple submitters, no conflicts (2 of 4 stars). 2 submissions from 2 submitters: Uncertain significance (2). Last evaluated 2024-11-22.

Conditions:
Xeroderma pigmentosum, group C (XPC). Also called: XPC-Related Xeroderma Pigmentosum; Xeroderma pigmentosum, complementation group C; XERODERMA PIGMENTOSUM III; XP, GROUP C. Identifiers: Orphanet 910, MedGen C2752147, MONDO:0010211, OMIM 278720.

Allele frequency attached by ClinVar (database versions not stated): gnomAD 0.00002; gnomAD exomes 0.00006 and 0.00002; ESP Exome Variant Server 0.00010; ExAC 0.00003.
gnomAD v4.1: 88 of 1,613,676 alleles (0.0055%); highest among the groups gnomAD compares: Non-Finnish European, 0.0068%; no homozygotes.

Submissions (2):

GeneDx
Classification: Uncertain significance. Last evaluated: 2024-11-22. Review status: criteria provided, single submitter. Criteria: GeneDx Variant Classification Process June 2021. Collection method: clinical testing. Allele origin: germline. Affected: yes.
Comment: In silico analysis indicates that this missense variant does not alter protein structure/function; Has not been previously published as pathogenic or benign to our knowledge

Baylor Genetics
Classification: Uncertain significance for Xeroderma pigmentosum, group C. Last evaluated: 2021-03-02. Review status: criteria provided, single submitter. Criteria: ACMG Guidelines, 2015. Collection method: clinical testing. Allele origin: unknown. Affected: yes. Study: CSER-TexasKidsCanSeq.
Comment: This variant was determined to be of uncertain significance according to ACMG Guidelines, 2015 [PMID:25741868].

NM_004628.5(XPC):c.1455G>T (p.Arg485Ser)

Gene: XPC (XPC complex subunit, DNA damage recognition and repair factor; minus strand). Cytogenetic location: 3p25.1.
Variant type: single nucleotide variant.
Coding change: c.1455G>T on transcript NM_004628.5 (MANE Select); coding-DNA position 1455, G replaced by T.
Protein change: p.Arg485Ser; replaces arginine 485 with serine.
Molecular consequence: missense variant. On other transcripts: non-coding transcript variant (2).
Genome position (GRCh38, 1-based): chr3:14,158,428, C>A on the plus strand (G>T on the coding strand, the complement: XPC is on the minus strand). VCF-style: chr3-14158428-C-A. GRCh37 (hg19) VCF-style: chr3-14199928-C-A.
Other names: c.876G>T, p.Arg292Ser (NM_001354726.2); c.1455G>T, p.Arg485Ser (NM_001354727.2, NM_001354730.2); c.1437G>T, p.Arg479Ser (NM_001354729.2); short protein forms R292S, R479S, R485S.
Identifiers: ClinVar variation 1327098 (VCV001327098.2), dbSNP rs368618553, ClinGen allele CA2267430.